The following is an entry in ClinVar:

ClinVar aggregate classification (germline): Pathogenic/Likely pathogenic. Review status: criteria provided, multiple submitters, no conflicts (2 of 4 stars). 2 submissions from 2 submitters: Pathogenic (1); Likely pathogenic (1). Last evaluated 2021-06-28.

Conditions:
Familial thoracic aortic aneurysm and aortic dissection (TAAD). Also called: Thoracic aortic aneurysms and dissections. Identifiers: Orphanet 91387, MedGen C4707243, MONDO:0019625.
Marfan syndrome (MFS). Also called: Marfan syndrome type 1; Marfan syndrome, classic; Marfan's syndrome; FBN1-Related Marfan Syndrome; MARFAN SYNDROME, TYPE I. Identifiers: Orphanet 284963, Orphanet 558, MedGen C0024796, MONDO:0007947, OMIM 154700.
FBN1-related disorder. Also called: FBN1-related disorders.

Submissions (2):

Blueprint Genetics
Classification: Likely pathogenic for FBN1-related disorders. Last evaluated: 2021-06-28. Review status: criteria provided, single submitter. Criteria: ACMG Guidelines, 2015. Collection method: clinical testing. Allele origin: germline. Affected: yes. Observed: 3 variant alleles.

Labcorp Genetics (formerly Invitae), Labcorp
Classification: Pathogenic for Marfan syndrome; Familial thoracic aortic aneurysm and aortic dissection. Last evaluated: 2017-10-11. Review status: criteria provided, single submitter. Criteria: Invitae Variant Classification Sherloc (09022015). Collection method: clinical testing. Allele origin: germline.
Comment: This sequence change creates a premature translational stop signal (p.Cys2364*) in the FBN1 gene. It is expected to result in an absent or disrupted protein product. This variant is not present in population databases (ExAC no frequency). This variant has not been reported in the literature in individuals with FBN1-related disease. Loss-of-function variants in FBN1 are known to be pathogenic (PMID: 17657824, 19293843). For these reasons, this variant has been classified as Pathogenic.

Literature cited by the submitters: PubMed 17657824 (cited by Labcorp Genetics (formerly Invitae), Labcorp); PubMed 19293843 (cited by Labcorp Genetics (formerly Invitae), Labcorp).

NM_000138.5(FBN1):c.7092C>A (p.Cys2364Ter)

Gene: FBN1 (fibrillin 1; minus strand). Cytogenetic location: 15q21.1.
Variant type: single nucleotide variant.
Coding change: c.7092C>A on transcript NM_000138.5 (MANE Select); coding-DNA position 7092, C replaced by A.
Protein change: p.Cys2364Ter; replaces cysteine 2364 with a stop codon.
Molecular consequence: nonsense.
Genome position (GRCh38, 1-based): chr15:48,427,679, G>T on the plus strand (C>A on the coding strand, the complement: FBN1 is on the minus strand). VCF-style: chr15-48427679-G-T. GRCh37 (hg19) VCF-style: chr15-48719876-G-T.
Other names: short protein forms C2364*.
Identifiers: ClinVar variation 527162 (VCV000527162.8), dbSNP rs1555394569, ClinGen allele CA392329883.